The following is an entry in ClinVar:

NM_000395.3(CSF2RB):c.2303A>C (p.Glu768Ala)

Gene: CSF2RB (colony stimulating factor 2 receptor subunit beta; plus strand). Cytogenetic location: 22q12.3.
Variant type: single nucleotide variant.
Coding change: c.2303A>C on transcript NM_000395.3 (MANE Select); coding-DNA position 2303, A replaced by C.
Protein change: p.Glu768Ala; replaces glutamic acid 768 with alanine.
Molecular consequence: missense variant.
Genome position (GRCh38, 1-based): chr22:36,938,111, A>C. VCF-style: chr22-36938111-A-C. GRCh37 (hg19) VCF-style: chr22-37334153-A-C.
Other names: c.2303A>C (NM_000395.2); c.2321A>C, p.Glu774Ala (NM_001410827.1); short protein forms E768A, E774A.
Identifiers: ClinVar variation 1927193 (VCV001927193.6), dbSNP rs1161263635, ClinGen allele CA411411234.

ClinVar aggregate classification (germline): Uncertain significance. Review status: criteria provided, multiple submitters, no conflicts (2 of 4 stars). 2 submissions from 2 submitters: Uncertain significance (2). Last evaluated 2025-12-16.

Conditions:
Inborn genetic diseases. Identifiers: MedGen C0950123, MeSH D030342.

Allele frequency attached by ClinVar (database versions not stated): TOPMed below 0.00001; gnomAD exomes 0.00001.
gnomAD v4.1: 10 of 1,613,792 alleles (0.00062%); highest among the groups gnomAD compares: Middle Eastern, 0.017%; no homozygotes.

Submissions (2):

Ambry Genetics
Classification: Uncertain significance for Inborn genetic diseases. Last evaluated: 2025-12-16. Review status: criteria provided, single submitter. Criteria: Ambry Variant Classification Scheme 2023. Collection method: clinical testing. Allele origin: germline.

Labcorp Genetics (formerly Invitae), Labcorp
Classification: Uncertain significance. Last evaluated: 2023-03-23. Review status: criteria provided, single submitter. Criteria: Invitae Variant Classification Sherloc (09022015). Collection method: clinical testing. Allele origin: germline.
Comment: In summary, the available evidence is currently insufficient to determine the role of this variant in disease. Therefore, it has been classified as a Variant of Uncertain Significance. Advanced modeling of protein sequence and biophysical properties (such as structural, functional, and spatial information, amino acid conservation, physicochemical variation, residue mobility, and thermodynamic stability) performed at Invitae indicates that this missense variant is not expected to disrupt CSF2RB protein function. ClinVar contains an entry for this variant (Variation ID: 1927193). This variant has not been reported in the literature in individuals affected with CSF2RB-related conditions. This variant is present in population databases (no rsID available, gnomAD 0.003%). This sequence change replaces glutamic acid, which is acidic and polar, with alanine, which is neutral and non-polar, at codon 768 of the CSF2RB protein (p.Glu768Ala).